The following is an entry in ClinVar:

NM_001849.4(COL6A2):c.1606G>A (p.Glu536Lys)

Gene: COL6A2 (collagen type VI alpha 2 chain; plus strand). Cytogenetic location: 21q22.3.
Variant type: single nucleotide variant.
Coding change: c.1606G>A on transcript NM_001849.4 (MANE Select); coding-DNA position 1606, G replaced by A.
Protein change: p.Glu536Lys; replaces glutamic acid 536 with lysine.
Molecular consequence: missense variant.
Genome position (GRCh38, 1-based): chr21:46,122,529, G>A. VCF-style: chr21-46122529-G-A. GRCh37 (hg19) VCF-style: chr21-47542443-G-A.
Other names: p.Glu536Lys; c.1606G>A, p.Glu536Lys (NM_058174.3, NM_058175.3); short protein forms E536K.
Identifiers: ClinVar variation 476454 (VCV000476454.26), dbSNP rs143338050, ClinGen allele CA10072019.
Genomic context (GRCh38, chr21:46,122,529, plus strand): 5'-TCACCCTGGCTTCTGTTTGCTTCACAGGGAGAAAAAGGCGAGCCCGGCCCACGCGGCCCC[G>A]AGGTATGTGTGGGTCCTGGCCACCTGTGCCCACCCAGGGTGGGGGTCTGCACGCCCAATT-3'
Protein context (NP_001840.3, residues 526-546): EKGEPGPRGP[Glu536Lys]GGRGDFGLKG

ClinVar aggregate classification (germline): Conflicting classifications of pathogenicity. Review status: criteria provided, conflicting classifications (1 of 4 stars). 8 submissions from 8 submitters: Uncertain significance (6); Benign (1); Likely benign (1). Last evaluated 2025-12-23.

Conditions:
Bethlem myopathy 1A. Also called: Bethlem Muscular Dystrophy; Bethlem myopathy 1; MYOPATHY, BENIGN CONGENITAL, WITH CONTRACTURES. Identifiers: Orphanet 610, MedGen CN029274, MONDO:0024530, OMIM 158810.
Collagen 6-related myopathy. Identifiers: MedGen CN117976, MONDO:0100225.

Allele frequency attached by ClinVar (database versions not stated): 1000 Genomes Project 0.00040; 1000 Genomes Project 30x 0.00062; gnomAD 0.00006 and 0.00009; TOPMed 0.00013; ESP Exome Variant Server 0.00015.

Submissions (8):

Labcorp Genetics (formerly Invitae), Labcorp
Classification: Likely benign for Bethlem myopathy 1A. Last evaluated: 2025-12-23. Review status: criteria provided, single submitter. Criteria: Invitae Variant Classification Sherloc (09022015). Collection method: clinical testing. Allele origin: germline.

GeneDx
Classification: Uncertain significance. Last evaluated: 2025-11-24. Review status: criteria provided, single submitter. Criteria: GeneDx Variant Classification Process June 2021. Collection method: clinical testing. Allele origin: germline.
Comment: Identified in the heterozygous state in a patient from a cohort of individuals clinically suspected to have limb girdle muscular dystrophy in published literature, but additional clinical information was not provided (PMID: 30564623); In silico analysis suggests that this missense variant does not alter protein structure/function; This variant is associated with the following publications: (PMID: 30564623)

Women's Health and Genetics/Laboratory Corporation of America, LabCorp
Classification: Uncertain significance. Last evaluated: 2025-06-19. Review status: criteria provided, single submitter. Criteria: LabCorp Variant Classification Summary - May 2015. Collection method: clinical testing. Allele origin: germline.
Comment: Variant summary: COL6A2 c.1606G>A (p.Glu536Lys) results in a conservative amino acid change in the encoded protein sequence. Algorithms developed to predict the effect of missense changes on protein structure and function all suggest that this variant is likely to be tolerated. Consensus agreement among computation tools predict no significant impact on normal splicing. However, these predictions have yet to be confirmed by functional studies. The variant allele was found at a frequency of 0.00017 in 249096 control chromosomes. This frequency is not significantly higher than estimated for a pathogenic variant in COL6A2 causing Ullrich congenital muscular dystrophy 1-AR (0.00017 vs 0.0035), allowing no conclusion about variant significance. c.1606G>A has been observed in individual suspected with congenital muscular dystrophy (Nallamilli_2018). These report(s) do not provide unequivocal conclusions about association of the variant with Ullrich congenital muscular dystrophy 1-AR. To our knowledge, no experimental evidence demonstrating an impact on protein function has been reported. The following publication have been ascertained in the context of this evaluation (PMID: 30564623). ClinVar contains an entry for this variant (Variation ID: 476454). Based on the evidence outlined above, the variant was classified as uncertain significance.

Mayo Clinic Laboratories, Mayo Clinic
Classification: Uncertain significance. Last evaluated: 2025-05-01. Review status: criteria provided, single submitter. Criteria: ACMG Guidelines, 2015. Collection method: clinical testing. Allele origin: germline. Observed: 1 variant allele.

Blueprint Genetics
Classification: Uncertain significance. Last evaluated: 2023-07-05. Review status: criteria provided, single submitter. Criteria: ACMG Guidelines, 2015. Collection method: clinical testing. Allele origin: germline.

Revvity Omics, Revvity
Classification: Uncertain significance. Last evaluated: 2020-09-16. Review status: criteria provided, single submitter. Criteria: ACMG Guidelines, 2015. Collection method: clinical testing. Allele origin: germline.

Illumina Laboratory Services, Illumina
Classification: Benign for Collagen VI-related myopathy. Last evaluated: 2018-01-13. Review status: criteria provided, single submitter. Criteria: ICSL Variant Classification Criteria 13 December 2019. Collection method: clinical testing. Allele origin: germline.
Comment: This variant was observed in the ICSL laboratory as part of a predisposition screen in an ostensibly healthy population. It had not been previously curated by ICSL or reported in the Human Gene Mutation Database (HGMD: prior to June 1st, 2018), and was therefore a candidate for classification through an automated scoring system. Utilizing variant allele frequency, disease prevalence and penetrance estimates, and inheritance mode, an automated score was calculated to assess if this variant is too frequent to cause the disease. Based on the score and internal cut-off values, a variant classified as benign is not then subjected to further curation. The score for this variant resulted in a classification of benign for this disease.

Eurofins Ntd Llc (ga)
Classification: Uncertain significance. Last evaluated: 2016-10-10. Review status: criteria provided, single submitter. Criteria: EGL Classification Definitions 2015. Collection method: clinical testing. Allele origin: germline. Observed: 3 variant alleles, 3 heterozygotes.

Literature cited by the submitters: PubMed 30564623 (cited by Women's Health and Genetics/Laboratory Corporation of America, LabCorp and Mayo Clinic Laboratories, Mayo Clinic).